The following is an entry in ClinVar:

NM_194248.3(OTOF):c.2677-1G>A

Gene: OTOF (otoferlin; minus strand). Cytogenetic location: 2p23.3.
Variant type: single nucleotide variant.
Coding change: c.2677-1G>A on transcript NM_194248.3 (MANE Select); the canonical splice acceptor site of the intron before coding-DNA position 2677, G replaced by A.
Molecular consequence: splice acceptor variant.
Genome position (GRCh38, 1-based): chr2:26,476,318, C>T on the plus strand (G>A on the coding strand, the complement: OTOF is on the minus strand). VCF-style: chr2-26476318-C-T. GRCh37 (hg19) VCF-style: chr2-26699186-C-T.
Other names: c.2677-1G>A (NM_001287489.2); c.436-1G>A (NM_194323.3, NM_004802.4); c.607-1G>A (NM_194322.3).
Identifiers: ClinVar variation 3601532 (VCV003601532.1).

ClinVar aggregate classification (germline): Pathogenic (1 of 4 stars; one submission).

Conditions:
Autosomal recessive nonsyndromic hearing loss 9. Also called: NEUROSENSORY NONSYNDROMIC RECESSIVE DEAFNESS 9; OTOF-Related Hearing Loss; Deafness, autosomal recessive 9; AUDITORY NEUROPATHY, AUTOSOMAL RECESSIVE, 1, TEMPERATURE-SENSITIVE. Identifiers: Orphanet 90636, MedGen C1832828, MONDO:0010986, OMIM 601071.

Submission:

Institute of Rare Diseases, West China Hospital, Sichuan University
Classification: Pathogenic for Autosomal recessive nonsyndromic hearing loss 9. Last evaluated: 2025-01-09. Review status: criteria provided, single submitter. Criteria: ClinGen HL ACMG Specifications v1. Collection method: research. Allele origin: germline. Affected: yes.
Comment: PVS1;PP4;PM2_Supporting